The following is an entry in ClinVar:

ClinVar aggregate classification (germline): Uncertain significance (1 of 4 stars; one submission).

Submission:

Labcorp Genetics (formerly Invitae), Labcorp
Classification: Uncertain significance. Last evaluated: 2021-02-13. Review status: criteria provided, single submitter. Criteria: Invitae Variant Classification Sherloc (09022015). Collection method: clinical testing. Allele origin: germline.
Comment: In summary, the available evidence is currently insufficient to determine the role of this variant in disease. Therefore, it has been classified as a Variant of Uncertain Significance. Algorithms developed to predict the effect of sequence changes on RNA splicing suggest that this variant may create or strengthen a splice site, but this prediction has not been confirmed by published transcriptional studies. Advanced modeling of protein sequence and biophysical properties (such as structural, functional, and spatial information, amino acid conservation, physicochemical variation, residue mobility, and thermodynamic stability) performed at Invitae indicates that this missense variant is not expected to disrupt KMT2A protein function. This variant has not been reported in the literature in individuals with KMT2A-related conditions. This variant is not present in population databases (ExAC no frequency). This sequence change replaces histidine with tyrosine at codon 1442 of the KMT2A protein (p.His1442Tyr). The histidine residue is moderately conserved and there is a moderate physicochemical difference between histidine and tyrosine.

NM_001197104.2(KMT2A):c.4324C>T (p.His1442Tyr)

Gene: KMT2A (lysine methyltransferase 2A; plus strand). Cytogenetic location: 11q23.3.
Variant type: single nucleotide variant.
Coding change: c.4324C>T on transcript NM_001197104.2 (MANE Select); coding-DNA position 4324, C replaced by T.
Protein change: p.His1442Tyr; replaces histidine 1442 with tyrosine.
Molecular consequence: missense variant.
Genome position (GRCh38, 1-based): chr11:118,484,967, C>T. VCF-style: chr11-118484967-C-T. GRCh37 (hg19) VCF-style: chr11-118355682-C-T.
Other names: c.4324C>T, p.His1442Tyr (NM_005933.4); short protein forms H1442Y.
Identifiers: ClinVar variation 1351441 (VCV001351441.8), dbSNP rs1950204071, ClinGen allele CA382831062.